The following is an entry in ClinVar:

NM_001756.4(SERPINA6):c.819G>A (p.Met273Ile)

Gene: SERPINA6 (serpin family A member 6; minus strand). Cytogenetic location: 14q32.13.
Variant type: single nucleotide variant.
Coding change: c.819G>A on transcript NM_001756.4 (MANE Select); coding-DNA position 819, G replaced by A.
Protein change: p.Met273Ile; replaces methionine 273 with isoleucine.
Molecular consequence: missense variant.
Genome position (GRCh38, 1-based): chr14:94,309,801, C>T on the plus strand (G>A on the coding strand, the complement: SERPINA6 is on the minus strand). VCF-style: chr14-94309801-C-T. GRCh37 (hg19) VCF-style: chr14-94776138-C-T.
Other names: short protein forms M273I.
Identifiers: ClinVar variation 426502 (VCV000426502.4), dbSNP rs1085307658, ClinGen allele CA390851116.

ClinVar aggregate classification (germline): Uncertain significance. Review status: criteria provided, multiple submitters, no conflicts (2 of 4 stars). 2 submissions from 2 submitters: Uncertain significance (2). Last evaluated 2022-07-19.

Conditions:
Inborn genetic diseases. Identifiers: MedGen C0950123, MeSH D030342.

Allele frequency attached by ClinVar (database versions not stated): gnomAD exomes below 0.00001.
gnomAD v4.1: 1 of 1,614,192 alleles (0.000062%); highest among the groups gnomAD compares: Admixed American, 0.0017%; no homozygotes.

Submissions (2):

Ambry Genetics
Classification: Uncertain significance for Inborn genetic diseases. Last evaluated: 2022-07-19. Review status: criteria provided, single submitter. Criteria: Ambry Variant Classification Scheme 2023. Collection method: clinical testing. Allele origin: germline.

GeneDx
Classification: Uncertain significance. Last evaluated: 2017-04-13. Review status: criteria provided, single submitter. Criteria: GeneDx Variant Classification (06012015). Collection method: clinical testing. Allele origin: germline. Affected: yes.
Comment: The M273I variant in the SERPINA gene has not been reported previously as a pathogenic variant, nor as a benign variant, to our knowledge. The M273I variant is not observed in large population cohorts (Lek et al., 2016; 1000 Genomes Consortium et al., 2015; Exome Variant Server). The M273I variant is a conservative amino acid substitution, which is not likely to impact secondary protein structure as these residues share similar properties. This substitution occurs at a position where amino acids with similar properties to Methionine are tolerated across species. In silico analysis predicts this variant is probably damaging to the protein structure/function. We interpret M273I as a variant of uncertain significance.